The following is an entry in ClinVar:

ClinVar aggregate classification (germline): Uncertain significance (1 of 4 stars; one submission).

Conditions:
Primary ciliary dyskinesia. Also called: Ciliary dyskinesia. Identifiers: Orphanet 244, MedGen C0008780, MONDO:0016575, HP:0012265.

Submission:

Ambry Genetics
Classification: Uncertain significance for Primary ciliary dyskinesia. Last evaluated: 2025-01-13. Review status: criteria provided, single submitter. Criteria: Ambry Variant Classification Scheme 2023. Collection method: clinical testing. Allele origin: germline.
Comment: The p.M117T variant (also known as c.350T>C), located in coding exon 3 of the DNAI2 gene, results from a T to C substitution at nucleotide position 350. The methionine at codon 117 is replaced by threonine, an amino acid with similar properties. This amino acid position is conserved. In addition, this alteration is predicted to be tolerated by in silico analysis. Based on the available evidence, the clinical significance of this variant remains unclear.

NM_023036.6(DNAI2):c.350T>C (p.Met117Thr)

Gene: DNAI2 (dynein axonemal intermediate chain 2; plus strand). Cytogenetic location: 17q25.1.
Variant type: single nucleotide variant.
Coding change: c.350T>C on transcript NM_023036.6 (MANE Select); coding-DNA position 350, T replaced by C.
Protein change: p.Met117Thr; replaces methionine 117 with threonine.
Molecular consequence: missense variant.
Genome position (GRCh38, 1-based): chr17:74,286,981, T>C. VCF-style: chr17-74286981-T-C. GRCh37 (hg19) VCF-style: chr17-72283120-T-C.
Other names: c.350T>C, p.Met117Thr (NM_001172810.3, NM_001353167.2); short protein forms M117T.
Identifiers: ClinVar variation 3841379 (VCV003841379.1).
Genomic context (GRCh38, chr17:74,286,981, plus strand): 5'-GGCAATCTGAAAGGACCTCCATTTACTGCGGAGAACTTCCAATGTGTCCCCCCTAGATCA[T>C]GGAGCACTGCATCAAGCAGAACAATGCCATTGACATCTATGAAGAGTATTTCAATGACGA-3'
Protein context (NP_075462.3, residues 107-127): VNAIMQLGSI[Met117Thr]EHCIKQNNAI